The following is an entry in ClinVar:

ClinVar aggregate classification (germline): Uncertain significance. Review status: criteria provided, multiple submitters, no conflicts (2 of 4 stars). 2 submissions from 2 submitters: Uncertain significance (2). Last evaluated 2026-05-06.

Conditions:
SEMA3E-related disorder. Also called: SEMA3E-related condition.
CHARGE syndrome (CHARGE). Also called: Hittner Hirsch Kreh syndrome; CHARGE ASSOCIATION--COLOBOMA, HEART ANOMALY, CHOANAL ATRESIA, RETARDATION, GENITAL AND EAR ANOMALIES; Coloboma, heart anomaly, choanal atresia, retardation, genital and ear anomalies; CHARGE association; Hall-Hittner syndrome. Identifiers: Orphanet 138, MedGen C0265354, MONDO:0008965.

Allele frequency attached by ClinVar (database versions not stated): TOPMed 0.00001; ExAC 0.00002; gnomAD 0.00002; gnomAD exomes 0.00003.

Submissions (2):

PreventionGenetics, part of Exact Sciences
Classification: Uncertain significance for SEMA3E-related condition. Last evaluated: 2026-05-06. Review status: criteria provided, single submitter. Criteria: ACMG Guidelines, 2015. Collection method: clinical testing. Allele origin: germline.
Comment: The SEMA3E c.306G>A variant is predicted to result in the amino acid substitution p.Met102Ile. To our knowledge, this variant has not been reported in the literature. This variant is reported in 0.0035% of alleles in individuals of European (Non-Finnish) descent in gnomAD. At this time, the clinical significance of this variant is uncertain due to the absence of conclusive functional and genetic evidence.

Labcorp Genetics (formerly Invitae), Labcorp
Classification: Uncertain significance for CHARGE syndrome. Last evaluated: 2025-04-26. Review status: criteria provided, single submitter. Criteria: Invitae Variant Classification Sherloc (09022015). Collection method: clinical testing. Allele origin: germline.
Comment: This sequence change replaces methionine, which is neutral and non-polar, with isoleucine, which is neutral and non-polar, at codon 102 of the SEMA3E protein (p.Met102Ile). This variant is present in population databases (rs776525589, gnomAD 0.003%). This variant has not been reported in the literature in individuals affected with SEMA3E-related conditions. ClinVar contains an entry for this variant (Variation ID: 2910699). Invitae Evidence Modeling of protein sequence and biophysical properties (such as structural, functional, and spatial information, amino acid conservation, physicochemical variation, residue mobility, and thermodynamic stability) indicates that this missense variant is not expected to disrupt SEMA3E protein function with a negative predictive value of 80%. In summary, the available evidence is currently insufficient to determine the role of this variant in disease. Therefore, it has been classified as a Variant of Uncertain Significance.

NM_012431.3(SEMA3E):c.306G>A (p.Met102Ile)

Gene: SEMA3E (semaphorin 3E; minus strand). Cytogenetic location: 7q21.11.
Variant type: single nucleotide variant.
Coding change: c.306G>A on transcript NM_012431.3 (MANE Select); coding-DNA position 306, G replaced by A.
Protein change: p.Met102Ile; replaces methionine 102 with isoleucine.
Molecular consequence: missense variant.
Genome position (GRCh38, 1-based): chr7:83,469,273, C>T on the plus strand (G>A on the coding strand, the complement: SEMA3E is on the minus strand). VCF-style: chr7-83469273-C-T. GRCh37 (hg19) VCF-style: chr7-83098589-C-T.
Other names: c.306G>A (NM_012431.2); c.126G>A, p.Met42Ile (NM_001178129.2); short protein forms M102I, M42I.
Identifiers: ClinVar variation 2910699 (VCV002910699.5), dbSNP rs776525589, ClinGen allele CA4322386.